The following is an entry in ClinVar:

NM_000503.6(EYA1):c.865G>T (p.Asp289Tyr)

Gene: EYA1 (EYA transcriptional coactivator and phosphatase 1; minus strand). Cytogenetic location: 8q13.3.
Variant type: single nucleotide variant.
Coding change: c.865G>T on transcript NM_000503.6 (MANE Select); coding-DNA position 865, G replaced by T.
Protein change: p.Asp289Tyr; replaces aspartic acid 289 with tyrosine.
Molecular consequence: missense variant.
Genome position (GRCh38, 1-based): chr8:71,271,859, C>A on the plus strand (G>T on the coding strand, the complement: EYA1 is on the minus strand). VCF-style: chr8-71271859-C-A. GRCh37 (hg19) VCF-style: chr8-72184094-C-A.
Other names: c.847G>T, p.Asp283Tyr (NM_001288574.2); c.499G>T, p.Asp167Tyr (NM_001288575.2); c.952G>T, p.Asp318Tyr (NM_001370333.1); c.865G>T, p.Asp289Tyr (NM_001370334.1, NM_001370335.1, NM_172058.4); c.934G>T, p.Asp312Tyr (NM_001370336.1); c.937G>T, p.Asp313Tyr (NM_172059.5); short protein forms D289Y, D313Y, D318Y, D167Y, D283Y, D312Y.
Identifiers: ClinVar variation 501623 (VCV000501623.28), dbSNP rs201504674, ClinGen allele CA4779638.

ClinVar aggregate classification (germline): Conflicting classifications of pathogenicity. Review status: criteria provided, conflicting classifications (1 of 4 stars). 11 submissions from 10 submitters: Uncertain significance (5); Benign (2); Likely benign (3). 1 of the submissions does not count toward it. Last evaluated 2026-09-03.

Conditions:
Branchiootic syndrome 1 (BOS1). Also called: BO SYNDROME 1; BRANCHIOOTIC DYSPLASIA. Identifiers: MedGen C1865143, MONDO:0011258, OMIM 602588.
Otofaciocervical syndrome 1 (OTFCS). Identifiers: MedGen C3714941, MONDO:0024532, OMIM 166780.
Hearing impairment. Also called: Impaired Hearing. Identifiers: MedGen C1384666, MONDO:0005365, HP:0000365.
Melnick-Fraser syndrome (BOR). Also called: Branchio-oto-renal syndrome; Branchiootorenal syndrome; Branchiootorenal Syndrome (BORS). Identifiers: Orphanet 107, MedGen C0265234, MONDO:0007029.

Allele frequency attached by ClinVar (database versions not stated): TOPMed 0.00015; 1000 Genomes Project 30x 0.00016; gnomAD exomes 0.00016 and 0.00014; 1000 Genomes Project 0.00020; ExAC 0.00023; gnomAD 0.00011 and 0.00013; ESP Exome Variant Server 0.00015.
gnomAD v4.1: 251 of 1,614,170 alleles (0.016%); highest among the groups gnomAD compares: Non-Finnish European, 0.019%; 1 homozygote.

Submissions (11):

GeneDx
Classification: Uncertain significance. Last evaluated: 2026-09-03. Review status: criteria provided, single submitter. Criteria: GeneDx Variant Classification Process June 2021. Collection method: clinical testing. Allele origin: germline.
Comment: Identified in a patient with a renal abnormality in published literature; however, the variant was inherited from an unaffected parent, the individual's phenotype was not consistent with BOR syndrome, and additional genetic variants were identified (PMID: 23552953); In silico analysis supports that this missense variant has a deleterious effect on protein structure/function; This variant is associated with the following publications: (PMID: 34426522, 23552953, 30476936)

Labcorp Genetics (formerly Invitae), Labcorp
Classification: Likely benign for Melnick-Fraser syndrome. Last evaluated: 2025-09-02. Review status: criteria provided, single submitter. Criteria: Invitae Variant Classification Sherloc (09022015). Collection method: clinical testing. Allele origin: germline.

Laboratory of Genetics, Children's Clinical University Hospital Latvia
Classification: Likely benign. Last evaluated: 2025-02-16. Review status: criteria provided, single submitter. Criteria: ACMG Guidelines, 2015. Collection method: clinical testing. Allele origin: germline. Affected: yes.

Johns Hopkins Genomics, Johns Hopkins University
Classification: Uncertain significance for Branchiootic syndrome 1. Last evaluated: 2022-10-21. Review status: criteria provided, single submitter. Criteria: ACMG Guidelines, 2015. Collection method: clinical testing. Allele origin: germline.
Comment: The variant (rs201504674) is rare (<0.1%) in a large population dataset (gnomAD: 40/282872 total alleles; 0.014%; no homozygotes), and has been reported in ClinVar (Variation ID 501623). Two bioinformatic tools queried predict that this substitution would be damaging, and the aspartic acid residue at this position is evolutionarily conserved across most of the species assessed. We consider the clinical significance of c.865G>T in EYA1 to be uncertain at this time.

Department of Otolaryngology – Head & Neck Surgery, Cochlear Implant Center
Classification: Uncertain significance for Hearing impairment. Last evaluated: 2021-04-12. Review status: criteria provided, single submitter. Criteria: ClinGen HL ACMG Specifications v1. Collection method: clinical testing. Allele origin: germline. Affected: yes.
Comment: PP3_Supporting, BS2_Strong

Mendelics
Classification: Uncertain significance for Otofaciocervical syndrome 1. Last evaluated: 2019-05-28. Review status: criteria provided, single submitter. Criteria: Mendelics Assertion Criteria 2017. Collection method: clinical testing. Allele origin: unknown.

Laboratory for Molecular Medicine, Mass General Brigham Personalized Medicine
Classification: Likely benign. Last evaluated: 2018-04-11. Review status: criteria provided, single submitter. Criteria: LMM Criteria. Collection method: clinical testing. Allele origin: germline. Observed: 1 variant allele.
Comment: The p.Asp289Tyr variant in EYA1 has been reported in 0.02% (30/126700) of Europe an chromosomes by the Genome Aggregation Database (gnomAD; dbSNP rs201504674). This frequency is too high to cause Branchio-ot o-renal syndrome, which has a prevalence of 1/40,000). In summary, this variant is likely benign based on its frequen cy in the general population. ACMG/AMP Criteria applied: BS1.

Illumina Laboratory Services, Illumina
Classification: Benign for Branchiootic syndrome. Last evaluated: 2018-01-12. Review status: criteria provided, single submitter. Criteria: ICSL Variant Classification Criteria 13 December 2019. Collection method: clinical testing. Allele origin: germline.
Comment: This variant was observed in the ICSL laboratory as part of a predisposition screen in an ostensibly healthy population. It had not been previously curated by ICSL or reported in the Human Gene Mutation Database (HGMD: prior to June 1st, 2018), and was therefore a candidate for classification through an automated scoring system. Utilizing variant allele frequency, disease prevalence and penetrance estimates, and inheritance mode, an automated score was calculated to assess if this variant is too frequent to cause the disease. Based on the score and internal cut-off values, a variant classified as benign is not then subjected to further curation. The score for this variant resulted in a classification of benign for this disease.

Illumina Laboratory Services, Illumina
Classification: Benign for Otofaciocervical syndrome 1. Last evaluated: 2018-01-12. Review status: criteria provided, single submitter. Criteria: ICSL Variant Classification Criteria 13 December 2019. Collection method: clinical testing. Allele origin: germline.
Comment: the same text as in the submission from Illumina Laboratory Services, Illumina above.

Eurofins Ntd Llc (ga)
Classification: Uncertain significance. Last evaluated: 2017-04-26. Review status: criteria provided, single submitter. Criteria: EGL Classification Definitions 2015. Collection method: clinical testing. Allele origin: germline. Observed: 1 variant allele, 1 heterozygote.

Gharavi Laboratory, Columbia University
Classification: Uncertain significance. Last evaluated: 2018-09-16. Review status: no assertion criteria provided. Criteria: ACMG Guidelines, 2015. Collection method: research. Allele origin: germline. Affected: no. Not counted in ClinVar's aggregate classification.

Literature cited by the submitters: PubMed 23552953 (cited by Johns Hopkins Genomics, Johns Hopkins University and Laboratory for Molecular Medicine, Mass General Brigham Personalized Medicine); PubMed 26667035 (cited by Johns Hopkins Genomics, Johns Hopkins University).